The following is an entry in ClinVar:

ClinVar aggregate classification (germline): Likely benign. Review status: criteria provided, multiple submitters, no conflicts (2 of 4 stars). 3 submissions from 3 submitters: Likely benign (3). Last evaluated 2025-03-16.

Conditions:
Multiple acyl-CoA dehydrogenase deficiency (MADD). Also called: Glutaric aciduria, type 2; Glutaric acidemia type II; GA 2; Glutaric Acidemia type 2; ETHYLMALONIC-ADIPICACIDURIA; GA II. Identifiers: Orphanet 26791, MedGen C0268596, MONDO:0009282, OMIM 231680.

Allele frequency attached by ClinVar (database versions not stated): gnomAD exomes 0.00001; TOPMed 0.00001; ExAC 0.00002; gnomAD 0.00002 and 0.00003.
gnomAD v4.1: 13 of 1,614,062 alleles (0.00081%); highest among the groups gnomAD compares: South Asian, 0.0022%; no homozygotes.

Submissions (3):

Labcorp Genetics (formerly Invitae), Labcorp
Classification: Likely benign for Multiple acyl-CoA dehydrogenase deficiency. Last evaluated: 2025-03-16. Review status: criteria provided, single submitter. Criteria: Invitae Variant Classification Sherloc (09022015). Collection method: clinical testing. Allele origin: germline.

Blueprint Genetics
Classification: Likely benign. Last evaluated: 2024-05-03. Review status: criteria provided, single submitter. Criteria: ACMG Guidelines, 2015. Collection method: clinical testing. Allele origin: germline.

GeneDx
Classification: Likely benign. Last evaluated: 2016-03-15. Review status: criteria provided, single submitter. Criteria: GeneDx Variant Classification (06012015). Collection method: clinical testing. Allele origin: germline. Affected: yes.
Comment: This variant is considered likely benign or benign based on one or more of the following criteria: it is a conservative change, it occurs at a poorly conserved position in the protein, it is predicted to be benign by multiple in silico algorithms, and/or has population frequency not consistent with disease.

NM_001985.3(ETFB):c.702G>A (p.Thr234=)

Gene: ETFB (electron transfer flavoprotein subunit beta; minus strand). Cytogenetic location: 19q13.41.
Variant type: single nucleotide variant.
Coding change: c.702G>A on transcript NM_001985.3 (MANE Select); coding-DNA position 702, G replaced by A.
Protein change: p.Thr234=; no amino-acid change (threonine 234 retained).
Molecular consequence: synonymous variant.
Genome position (GRCh38, 1-based): chr19:51,345,277, C>T on the plus strand (G>A on the coding strand, the complement: ETFB is on the minus strand). VCF-style: chr19-51345277-C-T. GRCh37 (hg19) VCF-style: chr19-51848531-C-T.
Other names: c.975G>A, p.Thr325= (NM_001014763.1).
Identifiers: ClinVar variation 384215 (VCV000384215.11), dbSNP rs769668781, ClinGen allele CA9610676.
Genomic context (GRCh38, chr19:51,345,277, plus strand): 5'-CCGCCCAATCTCCTTCAGCTTGGCCACCAGGTCCTCAGTGGTCTCCACCTTGACGCCGGC[C>T]GTGCGCTGGGGCGGGTCCTCCACACTGATCACAGAGAGCTTGGAGGTCAGGTCCACACCC-3'
Protein context (NP_001976.1, residues 224-244): VISVEDPPQR[Thr234=]AGVKVETTED